The following is an entry in ClinVar:

ClinVar aggregate classification (germline): Uncertain significance. Review status: criteria provided, multiple submitters, no conflicts (2 of 4 stars). 2 submissions from 2 submitters: Uncertain significance (2). Last evaluated 2025-09-08.

Conditions:
DICER1-related tumor predisposition. Also called: DICER1 syndrome; DICER1-related pleuropulmonary blastoma cancer predisposition syndrome. Identifiers: Orphanet 284343, MedGen C3839822, MONDO:0100216.
Hereditary cancer-predisposing syndrome. Also called: Hereditary neoplastic syndrome; Neoplastic Syndromes, Hereditary; Hereditary Cancer Syndrome; Tumor predisposition. Identifiers: Orphanet 140162, MedGen C0027672, MeSH D009386, MONDO:0015356.

Submissions (2):

Ambry Genetics
Classification: Uncertain significance for Hereditary cancer-predisposing syndrome. Last evaluated: 2025-09-08. Review status: criteria provided, single submitter. Criteria: Ambry Variant Classification Scheme 2023. Collection method: clinical testing. Allele origin: germline.
Comment: The p.R1154G variant (also known as c.3460A>G), located in coding exon 20 of the DICER1 gene, results from an A to G substitution at nucleotide position 3460. The arginine at codon 1154 is replaced by glycine, an amino acid with dissimilar properties. This amino acid position is conserved. In addition, the in silico prediction for this alteration is inconclusive. Based on the available evidence, the clinical significance of this variant remains unclear.

Labcorp Genetics (formerly Invitae), Labcorp
Classification: Uncertain significance for DICER1-related tumor predisposition. Last evaluated: 2025-06-22. Review status: criteria provided, single submitter. Criteria: Invitae Variant Classification Sherloc (09022015). Collection method: clinical testing. Allele origin: germline.
Comment: This sequence change replaces arginine, which is basic and polar, with glycine, which is neutral and non-polar, at codon 1154 of the DICER1 protein (p.Arg1154Gly). This variant is not present in population databases (gnomAD no frequency). This variant has not been reported in the literature in individuals affected with DICER1-related conditions. ClinVar contains an entry for this variant (Variation ID: 1397589). Invitae Evidence Modeling of protein sequence and biophysical properties (such as structural, functional, and spatial information, amino acid conservation, physicochemical variation, residue mobility, and thermodynamic stability) indicates that this missense variant is not expected to disrupt DICER1 protein function with a negative predictive value of 95%. In summary, the available evidence is currently insufficient to determine the role of this variant in disease. Therefore, it has been classified as a Variant of Uncertain Significance.

NM_177438.3(DICER1):c.3460A>G (p.Arg1154Gly)

Gene: DICER1 (dicer 1, ribonuclease III; minus strand). Cytogenetic location: 14q32.13.
Variant type: single nucleotide variant.
Coding change: c.3460A>G on transcript NM_177438.3 (MANE Select); coding-DNA position 3460, A replaced by G.
Protein change: p.Arg1154Gly; replaces arginine 1154 with glycine.
Molecular consequence: missense variant.
Genome position (GRCh38, 1-based): chr14:95,103,936, T>C on the plus strand (A>G on the coding strand, the complement: DICER1 is on the minus strand). VCF-style: chr14-95103936-T-C. GRCh37 (hg19) VCF-style: chr14-95570273-T-C.
Other names: c.3460A>G, p.Arg1154Gly (NM_001195573.1, NM_001271282.3, NM_001291628.2 and 1 more transcripts); short protein forms R1154G.
Identifiers: ClinVar variation 1397589 (VCV001397589.12), dbSNP rs2139968107, ClinGen allele CA390875340.